The following is an entry in ClinVar:

NM_001203.3(BMPR1B):c.724T>C (p.Phe242Leu)

Gene: BMPR1B (bone morphogenetic protein receptor type 1B; plus strand). Cytogenetic location: 4q22.3.
Variant type: single nucleotide variant.
Coding change: c.724T>C on transcript NM_001203.3 (MANE Select); coding-DNA position 724, T replaced by C.
Protein change: p.Phe242Leu; replaces phenylalanine 242 with leucine.
Molecular consequence: missense variant.
Genome position (GRCh38, 1-based): chr4:95,130,000, T>C. VCF-style: chr4-95130000-T-C. GRCh37 (hg19) VCF-style: chr4-96051151-T-C.
Other names: c.724T>C, p.Phe242Leu (NM_001256792.2, NM_001256794.1); c.814T>C, p.Phe272Leu (NM_001256793.2); short protein forms F242L, F272L.
Identifiers: ClinVar variation 1418665 (VCV001418665.9), dbSNP rs761226009, ClinGen allele CA3015063.

ClinVar aggregate classification (germline): Uncertain significance. Review status: criteria provided, multiple submitters, no conflicts (2 of 4 stars). 2 submissions from 2 submitters: Uncertain significance (2). Last evaluated 2025-08-01.

Conditions:
Type A2 brachydactyly (BDA2). Also called: MOHR-WRIEDT TYPE BRACHYDACTYLY; Brachymesophalangy type 2; BRACHYMESOPHALANGY II. Identifiers: Orphanet 93396, MedGen C1832702, MONDO:0007216, OMIM 112600, HP:0009372.
Acromesomelic dysplasia 3 (AMD3). Also called: Acromesomelic dysplasia, Demirhan type; CHONDRODYSPLASIA, ACROMESOMELIC, WITH OR WITHOUT GENITAL ANOMALIES. Identifiers: MedGen C4225404, MONDO:0012274, OMIM 609441.

gnomAD v4.1: 19 of 1,613,890 alleles (0.0012%); highest among the groups gnomAD compares: South Asian, 0.0055%; no homozygotes.

Submissions (2):

Labcorp Genetics (formerly Invitae), Labcorp
Classification: Uncertain significance for Type A2 brachydactyly; Acromesomelic dysplasia 3. Last evaluated: 2025-08-01. Review status: criteria provided, single submitter. Criteria: Invitae Variant Classification Sherloc (09022015). Collection method: clinical testing. Allele origin: germline.
Comment: This sequence change replaces phenylalanine, which is neutral and non-polar, with leucine, which is neutral and non-polar, at codon 242 of the BMPR1B protein (p.Phe242Leu). This variant is present in population databases (rs761226009, gnomAD 0.003%). This variant has not been reported in the literature in individuals affected with BMPR1B-related conditions. ClinVar contains an entry for this variant (Variation ID: 1418665). Invitae Evidence Modeling of protein sequence and biophysical properties (such as structural, functional, and spatial information, amino acid conservation, physicochemical variation, residue mobility, and thermodynamic stability) indicates that this missense variant is not expected to disrupt BMPR1B protein function with a negative predictive value of 80%. In summary, the available evidence is currently insufficient to determine the role of this variant in disease. Therefore, it has been classified as a Variant of Uncertain Significance.

Blueprint Genetics
Classification: Uncertain significance. Last evaluated: 2020-03-18. Review status: criteria provided, single submitter. Criteria: ACMG Guidelines, 2015. Collection method: clinical testing. Allele origin: germline.